The following is an entry in ClinVar:

ClinVar aggregate classification (germline): Uncertain significance. Review status: criteria provided, multiple submitters, no conflicts (2 of 4 stars). 2 submissions from 2 submitters: Uncertain significance (2). Last evaluated 2024-10-18.

Conditions:
Autosomal recessive ataxia, Beauce type. Also called: SYNE1-Related Autosomal Recessive Cerebellar Ataxia; ATAXIA, RECESSIVE, OF BEAUCE; SYNE1 Deficiency; Spinocerebellar ataxia, autosomal recessive 8. Identifiers: Orphanet 88644, MedGen C1853116, MONDO:0012549, OMIM 610743.
Emery-Dreifuss muscular dystrophy 4, autosomal dominant (EDMD4). Also called: EMERY-DREIFUSS MUSCULAR DYSTROPHY 4 WITH VARIABLE FEATURES. Identifiers: Orphanet 261, MedGen C2751807, MONDO:0013071, OMIM 612998.

Allele frequency attached by ClinVar (database versions not stated): TOPMed 0.00001; gnomAD 0.00002; gnomAD exomes 0.00002 and 0.00004; ExAC 0.00003.
gnomAD v4.1: 28 of 1,613,998 alleles (0.0017%); highest among the groups gnomAD compares: Admixed American, 0.01%; no homozygotes.

Submissions (2):

Labcorp Genetics (formerly Invitae), Labcorp
Classification: Uncertain significance for Emery-Dreifuss muscular dystrophy 4, autosomal dominant; Autosomal recessive ataxia, Beauce type. Last evaluated: 2024-10-18. Review status: criteria provided, single submitter. Criteria: Invitae Variant Classification Sherloc (09022015). Collection method: clinical testing. Allele origin: germline.
Comment: This sequence change falls in intron 115 of the SYNE1 gene. It does not directly change the encoded amino acid sequence of the SYNE1 protein. It affects a nucleotide within the consensus splice site. This variant is present in population databases (rs760934207, gnomAD 0.02%). This variant has not been reported in the literature in individuals affected with SYNE1-related conditions. ClinVar contains an entry for this variant (Variation ID: 810009). Variants that disrupt the consensus splice site are a relatively common cause of aberrant splicing (PMID: 17576681, 9536098). Algorithms developed to predict the effect of sequence changes on RNA splicing suggest that this variant is not likely to affect RNA splicing. In summary, the available evidence is currently insufficient to determine the role of this variant in disease. Therefore, it has been classified as a Variant of Uncertain Significance.

CeGaT Center for Human Genetics Tuebingen
Classification: Uncertain significance. Last evaluated: 2019-02-01. Review status: criteria provided, single submitter. Criteria: CeGaT Center For Human Genetics Tuebingen Variant Classification Criteria Version 2. Collection method: clinical testing. Allele origin: germline. Affected: yes. Observed: 2 variant alleles.

Literature cited by the submitters: PubMed 17576681 (cited by Labcorp Genetics (formerly Invitae), Labcorp); PubMed 9536098 (cited by Labcorp Genetics (formerly Invitae), Labcorp).

NM_182961.4(SYNE1):c.21351+6A>G

Gene: SYNE1 (spectrin repeat containing nuclear envelope protein 1; minus strand). Cytogenetic location: 6q25.2.
Variant type: single nucleotide variant.
Coding change: c.21351+6A>G on transcript NM_182961.4 (MANE Select); 6 bases into the intron after coding-DNA position 21351, A replaced by G.
Molecular consequence: intron variant.
Genome position (GRCh38, 1-based): chr6:152,225,715, T>C on the plus strand (A>G on the coding strand, the complement: SYNE1 is on the minus strand). VCF-style: chr6-152225715-T-C. GRCh37 (hg19) VCF-style: chr6-152546850-T-C.
Other names: c.21138+6A>G (NM_033071.5).
Identifiers: ClinVar variation 810009 (VCV000810009.46), dbSNP rs760934207, ClinGen allele CA4054189.